The following is an entry in ClinVar:

ClinVar aggregate classification (germline): Likely benign (1 of 4 stars; one submission).

gnomAD v4.1: 1 of 1,179,411 alleles (0.000085%); no homozygotes.

Submission:

CeGaT Center for Human Genetics Tuebingen
Classification: Likely benign. Last evaluated: 2022-09-01. Review status: criteria provided, single submitter. Criteria: CeGaT Center For Human Genetics Tuebingen Variant Classification Criteria Version 2. Collection method: clinical testing. Allele origin: germline. Affected: yes. Observed: 1 variant allele.
Comment: MAGEC2: PM2:Supporting, BP4, BP7

NM_016249.4(MAGEC2):c.63G>A (p.Glu21=)

Genes: MAGEC2 (MAGE family member C2; minus strand), LOC126863335 (CDK7 strongly-dependent group 2 enhancer GRCh37_chrX:141291591-141292790; plus strand). Cytogenetic location: Xq27.2.
Variant type: single nucleotide variant.
Coding change: c.63G>A on transcript NM_016249.4 (MANE Select); coding-DNA position 63, G replaced by A.
Protein change: p.Glu21=; no amino-acid change (glutamic acid 21 retained).
Molecular consequence: synonymous variant.
Genome position (GRCh38, 1-based): chrX:142,203,925, C>T on the plus strand (G>A on the coding strand, the complement: MAGEC2 is on the minus strand). VCF-style: chrX-142203925-C-T. GRCh37 (hg19) VCF-style: chrX-141291711-C-T.
Identifiers: ClinVar variation 2661577 (VCV002661577.24), dbSNP rs1931195487, ClinGen allele CA518954680.